The following is an entry in ClinVar:

ClinVar aggregate classification (germline): Uncertain significance (1 of 4 stars; one submission).

Conditions:
Spastic ataxia 2. Also called: Ataxia, spastic, 2, autosomal recessive. Identifiers: Orphanet 397946, MedGen C1969796, MONDO:0012651, OMIM 611302.

Allele frequency attached by ClinVar (database versions not stated): gnomAD 0.00002; gnomAD exomes below 0.00001; TOPMed below 0.00001.
gnomAD v4.1: 5 of 1,612,940 alleles (0.00031%); highest among the groups gnomAD compares: African/African-American, 0.004%; no homozygotes.

Submission:

Broad Center for Mendelian Genomics, Broad Institute of MIT and Harvard
Classification: Uncertain significance for Spastic ataxia 2. Last evaluated: 2018-12-03. Review status: criteria provided, single submitter. Criteria: ACMG Guidelines, 2015. Collection method: research. Allele origin: germline. Inheritance: Autosomal recessive inheritance. Affected: yes.
Comment: The p.Leu233Phe variant in KIF1C has not been previously reported in individuals with spastic ataxia but has been identified in 0.004176% (1/23944) of African chromosomes and 0.0007916% (1/126326) of European (non-Finnish) chromosomes by the Genome Aggregation Database (gnomAD). Although this variant has been seen in the general population, its frequency is low enough to be consistent with a recessive carrier frequency. Computational prediction tools and conservation analyses do not provide strong support for or against an impact to the protein. This variant has also been reported as a VUS in ClinVar (Variation ID: 468858). In summary, the clinical significance of the p.Leu233Phe variant is uncertain. ACMG/AMP Criteria applied: PM2 (Richards 2015).

NM_006612.6(KIF1C):c.697C>T (p.Leu233Phe)

Gene: KIF1C (kinesin family member 1C; plus strand). Cytogenetic location: 17p13.2.
Variant type: single nucleotide variant.
Coding change: c.697C>T on transcript NM_006612.6 (MANE Select); coding-DNA position 697, C replaced by T.
Protein change: p.Leu233Phe; replaces leucine 233 with phenylalanine.
Molecular consequence: missense variant.
Genome position (GRCh38, 1-based): chr17:5,002,819, C>T. VCF-style: chr17-5002819-C-T. GRCh37 (hg19) VCF-style: chr17-4906114-C-T.
Other names: short protein forms L233F.
Identifiers: ClinVar variation 813900 (VCV000813900.1), dbSNP rs1361059674, ClinGen allele CA397346392.